The following is an entry in ClinVar:

ClinVar aggregate classification (germline): Likely pathogenic (1 of 4 stars; one submission).

Conditions:
Lynch syndrome 5 (LYNCH5). Also called: Colorectal cancer, hereditary nonpolyposis, type 5; Hereditary non-polyposis colorectal cancer, type 5. Identifiers: Orphanet 144, MedGen C1833477, MONDO:0013710, OMIM 614350. Disease mechanism: loss of function.

Submission:

Human Genetics Bochum, Ruhr University Bochum
Classification: Likely pathogenic for Lynch syndrome 5. Last evaluated: 2023-02-28. Review status: criteria provided, single submitter. Criteria: ACMG Guidelines, 2015. Collection method: clinical testing. Allele origin: germline. Affected: yes.
Comment: ACMG criteria used to clasify this variant:PVS1, PM2_SUP3

NM_000179.3(MSH6):c.2977del (p.Glu993fs)

Gene: MSH6 (mutS homolog 6; plus strand). Cytogenetic location: 2p16.3.
Variant type: Deletion.
Coding change: c.2977del on transcript NM_000179.3 (MANE Select); coding-DNA position 2977, one base deleted (G; older notation c.2977delG).
Protein change: p.Glu993fs; shifts the reading frame from glutamic acid 993.
Molecular consequence: frameshift variant. On other transcripts: non-coding transcript variant (5), intron variant (2).
Genome position (GRCh38, 1-based): chr2:47,800,960, G deleted. VCF-style (leftmost placement, unchanged base first): chr2-47800959-AG-A. GRCh37 (hg19) VCF-style: chr2-48028098-AG-A.
Other names: c.2587del, p.Glu863fs (NM_001281492.2); c.2071del, p.Glu691fs (NM_001281493.2, NM_001281494.2, NM_001406811.1 and 6 more transcripts); c.3073del, p.Glu1025fs (NM_001406795.1, NM_001406802.1); c.2977del, p.Glu993fs (NM_001406796.1, NM_001406798.1, NM_001406800.1 and 2 more transcripts); c.2680del, p.Glu894fs (NM_001406797.1, NM_001406801.1, NM_001406805.1 and 10 more transcripts); c.2452del, p.Glu818fs (NM_001406799.1, NM_001406806.1, NM_001406807.1); c.2899del, p.Glu967fs (NM_001406804.1); c.2983del, p.Glu995fs (NM_001406813.1); and 4 more; short protein forms E1025fs, E308fs, E691fs, E818fs, E863fs, E894fs, E937fs, E967fs.
Identifiers: ClinVar variation 2583146 (VCV002583146.1), dbSNP rs2530705335, ClinGen allele CA2582342374.